The following is an entry in ClinVar:

NM_018180.3(DHX32):c.268G>T (p.Gly90Cys)

Gene: DHX32 (DEAH-box helicase 32 (putative); minus strand). Cytogenetic location: 10q26.2.
Variant type: single nucleotide variant.
Coding change: c.268G>T on transcript NM_018180.3 (MANE Select); coding-DNA position 268, G replaced by T.
Protein change: p.Gly90Cys; replaces glycine 90 with cysteine.
Molecular consequence: missense variant.
Genome position (GRCh38, 1-based): chr10:125,880,557, C>A on the plus strand (G>T on the coding strand, the complement: DHX32 is on the minus strand). VCF-style: chr10-125880557-C-A. GRCh37 (hg19) VCF-style: chr10-127569126-C-A.
Other names: short protein forms G90C.
Identifiers: ClinVar variation 2200461 (VCV002200461.4), dbSNP rs79604945, ClinGen allele CA5739504.

ClinVar aggregate classification (germline): Uncertain significance (1 of 4 stars; one submission).

Allele frequency attached by ClinVar (database versions not stated): ExAC 0.00001; gnomAD 0.00001; 1000 Genomes Project 30x 0.00016; 1000 Genomes Project 0.00020.

Submission:

Labcorp Genetics (formerly Invitae), Labcorp
Classification: Uncertain significance. Last evaluated: 2022-10-17. Review status: criteria provided, single submitter. Criteria: Invitae Variant Classification Sherloc (09022015). Collection method: clinical testing. Allele origin: germline.
Comment: In summary, the available evidence is currently insufficient to determine the role of this variant in disease. Therefore, it has been classified as a Variant of Uncertain Significance. This sequence change replaces glycine, which is neutral and non-polar, with cysteine, which is neutral and slightly polar, at codon 90 of the DHX32 protein (p.Gly90Cys). This variant is present in population databases (rs79604945, gnomAD 0.0009%). This variant has not been reported in the literature in individuals affected with DHX32-related conditions. Algorithms developed to predict the effect of missense changes on protein structure and function (SIFT, PolyPhen-2, Align-GVGD) all suggest that this variant is likely to be disruptive. Algorithms developed to predict the effect of sequence changes on RNA splicing suggest that this variant may disrupt the consensus splice site.